The following is an entry in ClinVar:

ClinVar aggregate classification (germline): Pathogenic (1 of 4 stars; one submission).

Conditions:
Bethlem myopathy 1A. Also called: MYOPATHY, BENIGN CONGENITAL, WITH CONTRACTURES; Bethlem Muscular Dystrophy; Bethlem myopathy 1. Identifiers: Orphanet 610, MedGen CN029274, MONDO:0024530, OMIM 158810.

Submission:

Labcorp Genetics (formerly Invitae), Labcorp
Classification: Pathogenic for Bethlem myopathy 1A. Last evaluated: 2022-02-01. Review status: criteria provided, single submitter. Criteria: Invitae Variant Classification Sherloc (09022015). Collection method: clinical testing. Allele origin: germline.
Comment: For these reasons, this variant has been classified as Pathogenic. This variant has not been reported in the literature in individuals affected with COL6A3-related conditions. This variant is not present in population databases (gnomAD no frequency). This sequence change creates a premature translational stop signal (p.Ile789Metfs*24) in the COL6A3 gene. It is expected to result in an absent or disrupted protein product. Loss-of-function variants in COL6A3 are known to be pathogenic (PMID: 26004199).

Literature cited by the submitters: PubMed 26004199.

NM_004369.4(COL6A3):c.2367del (p.Ile789fs)

Gene: COL6A3 (collagen type VI alpha 3 chain; minus strand). Cytogenetic location: 2q37.3.
Variant type: Deletion.
Coding change: c.2367del on transcript NM_004369.4 (MANE Select); coding-DNA position 2367, one base deleted (T; older notation c.2367delT).
Protein change: p.Ile789fs; shifts the reading frame from isoleucine 789.
Molecular consequence: frameshift variant. On other transcripts: intron variant (1).
Genome position (GRCh38, 1-based): chr2:237,378,766, A deleted on the plus strand (T on the coding strand, the reverse complement: COL6A3 is on the minus strand); the first of 2 consecutive A bases (chr2:237,378,766-237,378,767); deleting either gives the same sequence. VCF-style (leftmost placement, unchanged base first): chr2-237378765-CA-C. GRCh37 (hg19) VCF-style: chr2-238287408-CA-C.
Other names: c.1146del, p.Ile382fs (NM_057164.5); c.1749del, p.Ile583fs (NM_057165.5, NM_057167.4); c.677-1422del (NM_057166.5); short protein forms I583fs, I789fs, I382fs.
Identifiers: ClinVar variation 1452977 (VCV001452977.6), dbSNP rs2106366689, ClinGen allele CA2573135591.